The following is an entry in ClinVar:

NM_000089.4(COL1A2):c.542G>A (p.Gly181Glu)

Gene: COL1A2 (collagen type I alpha 2 chain; plus strand). Cytogenetic location: 7q21.3.
Variant type: single nucleotide variant.
Coding change: c.542G>A on transcript NM_000089.4 (MANE Select); coding-DNA position 542, G replaced by A.
Protein change: p.Gly181Glu; replaces glycine 181 with glutamic acid.
Molecular consequence: missense variant.
Genome position (GRCh38, 1-based): chr7:94,406,251, G>A. VCF-style: chr7-94406251-G-A. GRCh37 (hg19) VCF-style: chr7-94035563-G-A.
Other names: short protein forms G181E.
Identifiers: ClinVar variation 2921806 (VCV002921806.3), dbSNP rs2484702701, ClinGen allele CA368220006.

ClinVar aggregate classification (germline): Pathogenic (1 of 4 stars; one submission).

Conditions:
Osteogenesis imperfecta type I (OI1). Also called: Lobstein disease; OI, TYPE I; OSTEOGENESIS IMPERFECTA TARDA; OSTEOGENESIS IMPERFECTA WITH BLUE SCLERAE; Osteogenesis imperfecta type 1; Lobstein's Disease. Identifiers: Orphanet 216796, Orphanet 666, MedGen C0023931, MONDO:0008146, OMIM 166200. Disease mechanism: loss of function.
Ehlers-Danlos syndrome, classic type, 1 (EDSCL1). Also called: EDS I; EHLERS-DANLOS SYNDROME, GRAVIS TYPE; EHLERS-DANLOS SYNDROME, SEVERE CLASSIC TYPE; Ehlers-Danlos syndrome, type 1; Ehlers-Danlos Syndrome, Classic Type, COL5A1-Related. Identifiers: MedGen C0268335, MONDO:0019567, OMIM 130000.

Submission:

Labcorp Genetics (formerly Invitae), Labcorp
Classification: Pathogenic for Osteogenesis imperfecta type I; Ehlers-Danlos syndrome, classic type, 1. Last evaluated: 2025-10-26. Review status: criteria provided, single submitter. Criteria: Invitae Variant Classification Sherloc (09022015). Collection method: clinical testing. Allele origin: germline.
Comment: This sequence change replaces glycine, which is neutral and non-polar, with glutamic acid, which is acidic and polar, at codon 181 of the COL1A2 protein (p.Gly181Glu). This variant is not present in population databases (gnomAD no frequency). This missense change has been observed in individual(s) with clinical features of autosomal dominant osteogenesis imperfecta (internal data). ClinVar contains an entry for this variant (Variation ID: 2921806). Experimental studies and prediction algorithms are not available or were not evaluated, and the functional significance of this variant is currently unknown. This variant disrupts the triple helix domain of COL1A2. Glycine residues within the Gly-Xaa-Yaa repeats of the triple helix domain are required for the structure and stability of fibrillar collagens (PMID: 7695699, 8218237, 19344236). In COL1A2, variants affecting these glycine residues are significantly enriched in individuals with disease (PMID: 9016532, 17078022) compared to the general population (ExAC). For these reasons, this variant has been classified as Pathogenic.

Literature cited by the submitters: PubMed 7695699; PubMed 8218237; PubMed 19344236; PubMed 9016532; PubMed 17078022.